The following is an entry in ClinVar:

NM_000277.3(PAH):c.842+4A>G

Gene: PAH (phenylalanine hydroxylase; minus strand). Cytogenetic location: 12q23.2.
Variant type: single nucleotide variant.
Coding change: c.842+4A>G on transcript NM_000277.3 (MANE Select); 4 bases into the intron after coding-DNA position 842, A replaced by G.
Molecular consequence: intron variant.
Genome position (GRCh38, 1-based): chr12:102,852,811, T>C on the plus strand (A>G on the coding strand, the complement: PAH is on the minus strand). VCF-style: chr12-102852811-T-C. GRCh37 (hg19) VCF-style: chr12-103246589-T-C.
Other names: c.842+4A>G (NM_001354304.2).
Identifiers: ClinVar variation 439228 (VCV000439228.10), dbSNP rs1555204434, ClinGen allele CA16020870.

ClinVar aggregate classification (germline): Likely pathogenic. Review status: reviewed by expert panel (3 of 4 stars). 5 submissions from 5 submitters: Likely pathogenic (1). 4 of the submissions do not count toward it. Last evaluated 2018-08-12.

Conditions:
Phenylketonuria (PKU). Also called: Phenylketonuria (PKU); FOLLING DISEASE; OLIGOPHRENIA PHENYLPYRUVICA; Phenylketonurias. Identifiers: Orphanet 716, MedGen C0031485, MONDO:0009861, OMIM 261600. Disease mechanism: loss of function.

Allele frequency attached by ClinVar (database versions not stated): TOPMed below 0.00001; gnomAD exomes below 0.00001.
gnomAD v4.1: 1 of 1,614,022 alleles (0.000062%); highest among the groups gnomAD compares: Non-Finnish European, 0.000085%; no homozygotes.

Submissions (5):

ClinGen PAH Variant Curation Expert Panel
Classification: Likely pathogenic for Phenylketonuria. Last evaluated: 2018-08-12. Review status: reviewed by expert panel. Criteria: ClinGen PAH ACMG Specifications v1. Collection method: curation. Allele origin: germline. Inheritance: Autosomal recessive inheritance.
Comment: PAH-specific ACMG/AMP criteria applied: PP3: HSF: Broken WT Donor Site, New Donor Site. MaxEnt: Broken WT Donor Site.; PM2: Absent from ExAC, gnomAD, 1000G, ESP; PP4_Moderate: IVS7+4A>G seen in 2 PKU patients. BH4 deficiency was ruled out. Upgraded per ClinGen PAH EP. (PMID:21147011); PM3: Detected in trans with A300S, pathogenic in ClinVar (PMID:21147011). In summary this variant meets criteria to be classified as likely pathogenic for phenylketonuria in an autosomal recessive manner based on the ACMG/AMP criteria applied as specified by the PAH Expert Panel: (PP3, PM2, PP4_Moderate, PM3).

Myriad Genetics, Inc.
Classification: Likely pathogenic for Phenylketonuria. Last evaluated: 2025-07-01. Review status: criteria provided, single submitter. Criteria: Myriad Autosomal Dominant, Autosomal Recessive and X-Linked Classification Criteria (2023). Collection method: clinical testing. Allele origin: unknown. Not counted in ClinVar's aggregate classification.
Comment: NM_000277.1(PAH):c.842+4A>G is an intronic variant classified as likely pathogenic in the context of phenylalanine hydroxylase deficiency. c.842+4A>G has been observed in cases with relevant disease (PMID: 26481238, 32668217, 21147011, 26542770, 30747360). Relevant functional assessments of this variant are not available in the literature. c.842+4A>G has not been observed in referenced population frequency databases. In summary, NM_000277.1(PAH):c.842+4A>G is an intronic variant that has been observed more frequently in cases with the relevant disease than in healthy populations. Please note: this variant was assessed in the context of healthy population screening.

Labcorp Genetics (formerly Invitae), Labcorp
Classification: Pathogenic for Phenylketonuria. Last evaluated: 2024-01-26. Review status: criteria provided, single submitter. Criteria: Invitae Variant Classification Sherloc (09022015). Collection method: clinical testing. Allele origin: germline. Not counted in ClinVar's aggregate classification.
Comment: This sequence change falls in intron 7 of the PAH gene. It does not directly change the encoded amino acid sequence of the PAH protein. It affects a nucleotide within the consensus splice site. This variant is not present in population databases (gnomAD no frequency). This variant has been observed in individuals with hyperphenylalaninemia (PMID: 21147011, 32668217). This variant is also known as IVS7+4A>G. ClinVar contains an entry for this variant (Variation ID: 439228). Variants that disrupt the consensus splice site are a relatively common cause of aberrant splicing (PMID: 17576681, 9536098). Algorithms developed to predict the effect of sequence changes on RNA splicing suggest that this variant may disrupt the consensus splice site. For these reasons, this variant has been classified as Pathogenic.

GeneDx
Classification: Likely pathogenic. Last evaluated: 2023-08-09. Review status: criteria provided, single submitter. Criteria: GeneDx Variant Classification Process June 2021. Collection method: clinical testing. Allele origin: germline. Affected: yes. Not counted in ClinVar's aggregate classification.
Comment: Not observed at significant frequency in large population cohorts (gnomAD); In silico analysis supports a deleterious effect on splicing; This variant is associated with the following publications: (PMID: 25525159, 21147011, 35281663, 32668217)

Quest Diagnostics Nichols Institute San Juan Capistrano
Classification: Uncertain significance. Last evaluated: 2016-08-12. Review status: criteria provided, single submitter. Criteria: Quest Diagnostics criteria. Collection method: clinical testing. Allele origin: germline. Not counted in ClinVar's aggregate classification.

Literature cited by the submitters: PubMed 21147011 (cited by 4 submitters); PubMed 26481238 (cited by Myriad Genetics, Inc.); PubMed 26542770 (cited by Myriad Genetics, Inc.); PubMed 30747360 (cited by Myriad Genetics, Inc.); PubMed 32668217 (cited by Myriad Genetics, Inc. and Labcorp Genetics (formerly Invitae), Labcorp); PubMed 17576681 (cited by Labcorp Genetics (formerly Invitae), Labcorp); PubMed 9536098 (cited by Labcorp Genetics (formerly Invitae), Labcorp); PubMed 25525159 (cited by Quest Diagnostics Nichols Institute San Juan Capistrano).